The following is an entry in ClinVar:

ClinVar aggregate classification (germline): Uncertain significance. Review status: criteria provided, multiple submitters, no conflicts (2 of 4 stars). 3 submissions from 3 submitters: Uncertain significance (3). Last evaluated 2026-02-10.

Conditions:
ACOX2-related disorder. Also called: ACOX2-related condition.

Allele frequency attached by ClinVar (database versions not stated): gnomAD 0.00018; TOPMed 0.00018; ExAC 0.00022; gnomAD exomes 0.00031; ESP Exome Variant Server 0.00054.

Submissions (5):

PreventionGenetics, part of Exact Sciences
Classification: Uncertain significance for ACOX2-related condition. Last evaluated: 2026-02-10. Review status: criteria provided, single submitter. Criteria: ACMG Guidelines, 2015. Collection method: clinical testing. Allele origin: germline.
Comment: The ACOX2 c.643C>T variant is predicted to result in the amino acid substitution p.Arg215Trp. To our knowledge, this variant has not been reported in the literature. This variant is reported in 0.033% of alleles in individuals of European (Non-Finnish) descent in gnomAD. At this time, the clinical significance of this variant is uncertain due to the absence of conclusive functional and genetic evidence.

Labcorp Genetics (formerly Invitae), Labcorp
Classification: Uncertain significance. Last evaluated: 2026-01-08. Review status: criteria provided, single submitter. Criteria: Invitae Variant Classification Sherloc (09022015). Collection method: clinical testing. Allele origin: germline.
Comment: This sequence change replaces arginine, which is basic and polar, with tryptophan, which is neutral and slightly polar, at codon 215 of the ACOX2 protein (p.Arg215Trp). This variant is present in population databases (rs141699596, gnomAD 0.03%). This variant has not been reported in the literature in individuals affected with ACOX2-related conditions. ClinVar contains an entry for this variant (Variation ID: 2200544). Invitae Evidence Modeling of protein sequence and biophysical properties (such as structural, functional, and spatial information, amino acid conservation, physicochemical variation, residue mobility, and thermodynamic stability) indicates that this missense variant is not expected to disrupt ACOX2 protein function with a negative predictive value of 80%. In summary, the available evidence is currently insufficient to determine the role of this variant in disease. Therefore, it has been classified as a Variant of Uncertain Significance.

Ambry Genetics
Classification: Uncertain significance. Last evaluated: 2022-06-03. Review status: criteria provided, single submitter. Criteria: Ambry Variant Classification Scheme 2023. Collection method: clinical testing. Allele origin: germline.

Dr. Peter K. Rogan Lab, Western University
No classification provided (evidence only). Condition: Lung cancer. Review status: no classification provided. Collection method: in vitro. Allele origin: not applicable. Functional consequence: retained intron. Not counted in ClinVar's aggregate classification.

Dr. Peter K. Rogan Lab, Western University
No classification provided (evidence only). Condition: Sarcoma. Review status: no classification provided. Collection method: in vitro. Allele origin: not applicable. Functional consequence: skipped exon, retained intron. Not counted in ClinVar's aggregate classification.

NM_003500.4(ACOX2):c.643C>T (p.Arg215Trp)

Gene: ACOX2 (acyl-CoA oxidase 2; minus strand). Cytogenetic location: 3p14.3.
Variant type: single nucleotide variant.
Coding change: c.643C>T on transcript NM_003500.4 (MANE Select); coding-DNA position 643, C replaced by T.
Protein change: p.Arg215Trp; replaces arginine 215 with tryptophan.
Molecular consequence: missense variant.
Genome position (GRCh38, 1-based): chr3:58,531,753, G>A on the plus strand (C>T on the coding strand, the complement: ACOX2 is on the minus strand). VCF-style: chr3-58531753-G-A. GRCh37 (hg19) VCF-style: chr3-58517480-G-A.
Other names: c.643C>T (NM_003500.3); short protein forms R215W.
Identifiers: ClinVar variation 2200544 (VCV002200544.7), dbSNP rs141699596, ClinGen allele CA2472331.